The following is an entry in ClinVar:

NM_020717.5(SHROOM4):c.2867C>G (p.Thr956Ser)

Gene: SHROOM4 (shroom family member 4; minus strand). Cytogenetic location: Xp11.22.
Variant type: single nucleotide variant.
Coding change: c.2867C>G on transcript NM_020717.5 (MANE Select); coding-DNA position 2867, C replaced by G.
Protein change: p.Thr956Ser; replaces threonine 956 with serine.
Molecular consequence: missense variant. On other transcripts: non-coding transcript variant (4).
Genome position (GRCh38, 1-based): chrX:50,633,206, G>C on the plus strand (C>G on the coding strand, the complement: SHROOM4 is on the minus strand). VCF-style: chrX-50633206-G-C. GRCh37 (hg19) VCF-style: chrX-50376206-G-C.
Other names: short protein forms T956S.
Identifiers: ClinVar variation 3036292 (VCV003036292.4), dbSNP rs151180678, ClinGen allele CA10416073.

ClinVar aggregate classification (germline): Conflicting classifications of pathogenicity. Review status: criteria provided, conflicting classifications (1 of 4 stars). 3 submissions from 3 submitters: Uncertain significance (1); Likely benign (1). 1 of the submissions does not count toward it. Last evaluated 2025-11-20.

Conditions:
SHROOM4-related disorder. Also called: SHROOM4-related condition.

Allele frequency attached by ClinVar (database versions not stated): 1000 Genomes Project 30x 0.00021; TOPMed 0.00032; ESP Exome Variant Server 0.00057.
gnomAD v4.1: 55 of 1,209,526 alleles (0.0045%); highest among the groups gnomAD compares: African/African-American, 0.077%; no homozygotes.

Submissions (3):

Ambry Genetics
Classification: Uncertain significance. Last evaluated: 2025-11-20. Review status: criteria provided, single submitter. Criteria: Ambry Variant Classification Scheme 2023. Collection method: clinical testing. Allele origin: germline.

Blueprint Genetics
Classification: Likely benign. Last evaluated: 2024-11-14. Review status: criteria provided, single submitter. Criteria: ACMG Guidelines, 2015. Collection method: clinical testing. Allele origin: germline.

PreventionGenetics, part of Exact Sciences
Classification: Likely benign for SHROOM4-related condition. Last evaluated: 2024-04-04. Review status: no assertion criteria provided. Collection method: clinical testing. Allele origin: germline. Not counted in ClinVar's aggregate classification.
Comment: This variant is classified as likely benign based on ACMG/AMP sequence variant interpretation guidelines (Richards et al. 2015 PMID: 25741868, with internal and published modifications).